The following is an entry in ClinVar:

ClinVar aggregate classification (germline): Uncertain significance (1 of 4 stars; one submission).

Conditions:
Hereditary breast ovarian cancer syndrome. Also called: BRCA1- and BRCA2-Associated Hereditary Breast and Ovarian Cancer; Hereditary breast and/or ovarian cancer syndrome; Hereditary breast and ovarian cancer syndrome; Hereditary breast and ovarian cancer syndrome (HBOC); Breast and ovarian cancer; Hereditary breast and ovarian cancer. Identifiers: Orphanet 145, MedGen C0677776, MeSH D061325, MONDO:0003582. Disease mechanism: loss of function.

Submission:

Labcorp Genetics (formerly Invitae), Labcorp
Classification: Uncertain significance for Hereditary breast ovarian cancer syndrome. Last evaluated: 2024-03-20. Review status: criteria provided, single submitter. Criteria: Invitae Variant Classification Sherloc (09022015). Collection method: clinical testing. Allele origin: germline.
Comment: This sequence change replaces lysine, which is basic and polar, with glutamic acid, which is acidic and polar, at codon 3326 of the BRCA2 protein (p.Lys3326Glu). This variant is not present in population databases (gnomAD no frequency). This variant has not been reported in the literature in individuals affected with BRCA2-related conditions. Advanced modeling of protein sequence and biophysical properties (such as structural, functional, and spatial information, amino acid conservation, physicochemical variation, residue mobility, and thermodynamic stability) performed at Invitae indicates that this missense variant is not expected to disrupt BRCA2 protein function with a negative predictive value of 95%. In summary, the available evidence is currently insufficient to determine the role of this variant in disease. Therefore, it has been classified as a Variant of Uncertain Significance.

NM_000059.4(BRCA2):c.9976A>G (p.Lys3326Glu)

Gene: BRCA2 (BRCA2 DNA repair associated; plus strand). Cytogenetic location: 13q13.1.
Variant type: single nucleotide variant.
Coding change: c.9976A>G on transcript NM_000059.4 (MANE Select); coding-DNA position 9976, A replaced by G.
Protein change: p.Lys3326Glu; replaces lysine 3326 with glutamic acid.
Molecular consequence: missense variant. On other transcripts: non-coding transcript variant (1).
Genome position (GRCh38, 1-based): chr13:32,398,489, A>G. VCF-style: chr13-32398489-A-G. GRCh37 (hg19) VCF-style: chr13-32972626-A-G.
Other names: c.9880A>G, p.Lys3294Glu (NM_001406719.1); c.9925A>G, p.Lys3309Glu (NM_001406720.1); c.5044A>G, p.Lys1682Glu (NM_001406721.1); c.3559A>G, p.Lys1187Glu (NM_001406722.1); c.9976A>G, p.Lys3326Glu (NM_001432077.1); short protein forms K1187E, K3294E, K3309E, K1682E, K3326E.
Identifiers: ClinVar variation 3668979 (VCV003668979.2).